The following is an entry in ClinVar:

NM_001346022.3(USP45):c.845+2T>C

Gene: USP45 (ubiquitin specific peptidase 45; minus strand). Cytogenetic location: 6q16.2.
Variant type: single nucleotide variant.
Coding change: c.845+2T>C on transcript NM_001346022.3 (MANE Select); the canonical splice donor site of the intron after coding-DNA position 845, T replaced by C.
Molecular consequence: splice donor variant. On other transcripts: missense variant (2).
Genome position (GRCh38, 1-based): chr6:99,482,751, A>G on the plus strand (T>C on the coding strand, the complement: USP45 is on the minus strand). VCF-style: chr6-99482751-A-G. GRCh37 (hg19) VCF-style: chr6-99930627-A-G.
Other names: NC_000006.11:g.99930627A>G; c.847T>C, p.Trp283Arg (NM_001346033.2, NM_032929.3); c.842+2T>C (NM_001346025.3, NM_001346023.3); c.845+2T>C (NM_001346024.3, NM_001346026.3, NM_001080481.3 and 2 more transcripts); c.-144+2T>C (NM_001346028.3); c.-281+2T>C (NM_001346027.3, NM_001346029.3); short protein forms W283R.
Identifiers: ClinVar variation 770177 (VCV000770177.33), dbSNP rs17850034, ClinGen allele CA3935503.

ClinVar aggregate classification (germline): Benign. Review status: criteria provided, multiple submitters, no conflicts (2 of 4 stars). 2 submissions from 2 submitters: Benign (2). Last evaluated 2023-02-01.

Allele frequency attached by ClinVar (database versions not stated): 1000 Genomes Project 30x 0.00484; 1000 Genomes Project 0.00519; gnomAD exomes 0.00827 and 0.01459; ExAC 0.00841; gnomAD 0.00873 and 0.00886; TOPMed 0.00907; ESP Exome Variant Server 0.01030.
gnomAD v4.1: 22,350 of 1,593,836 alleles (1.4%); highest among the groups gnomAD compares: Non-Finnish European, 1.7%; 195 homozygotes.

Submissions 1 to 31 of 98:

CeGaT Center for Human Genetics Tuebingen
Classification: Benign. Last evaluated: 2023-02-01. Review status: criteria provided, single submitter. Criteria: CeGaT Center For Human Genetics Tuebingen Variant Classification Criteria Version 2. Collection method: clinical testing. Allele origin: germline. Affected: yes. Observed: 1 variant allele.
Comment: USP45: BS1, BS2

Labcorp Genetics (formerly Invitae), Labcorp
Classification: Benign. Last evaluated: 2019-12-31. Review status: criteria provided, single submitter. Criteria: Invitae Variant Classification Sherloc (09022015). Collection method: clinical testing. Allele origin: germline.

Dr. Peter K. Rogan Lab, Western University
No classification provided (evidence only). Condition: Clear cell carcinoma of kidney. Review status: no classification provided. Collection method: in vitro. Allele origin: not applicable. Functional consequence: skipped exon, retained intron. Not counted in ClinVar's aggregate classification.

Dr. Peter K. Rogan Lab, Western University
No classification provided (evidence only). Condition: Clear cell carcinoma of kidney. Review status: no classification provided. Collection method: in vitro. Allele origin: not applicable. Functional consequence: skipped exon, retained intron. Not counted in ClinVar's aggregate classification.

Dr. Peter K. Rogan Lab, Western University
No classification provided (evidence only). Condition: Clear cell carcinoma of kidney. Review status: no classification provided. Collection method: in vitro. Allele origin: not applicable. Functional consequence: retained intron. Not counted in ClinVar's aggregate classification.

Dr. Peter K. Rogan Lab, Western University
No classification provided (evidence only). Condition: Clear cell carcinoma of kidney. Review status: no classification provided. Collection method: in vitro. Allele origin: not applicable. Functional consequence: retained intron. Not counted in ClinVar's aggregate classification.

Dr. Peter K. Rogan Lab, Western University
No classification provided (evidence only). Condition: Clear cell carcinoma of kidney. Review status: no classification provided. Collection method: in vitro. Allele origin: not applicable. Functional consequence: retained intron. Not counted in ClinVar's aggregate classification.

Dr. Peter K. Rogan Lab, Western University
No classification provided (evidence only). Condition: Clear cell carcinoma of kidney. Review status: no classification provided. Collection method: in vitro. Allele origin: not applicable. Functional consequence: retained intron. Not counted in ClinVar's aggregate classification.

Dr. Peter K. Rogan Lab, Western University
No classification provided (evidence only). Condition: Clear cell carcinoma of kidney. Review status: no classification provided. Collection method: in vitro. Allele origin: not applicable. Functional consequence: retained intron. Not counted in ClinVar's aggregate classification.

Dr. Peter K. Rogan Lab, Western University
No classification provided (evidence only). Condition: Lung cancer. Review status: no classification provided. Collection method: in vitro. Allele origin: not applicable. Functional consequence: skipped exon, retained intron. Not counted in ClinVar's aggregate classification.

Dr. Peter K. Rogan Lab, Western University
No classification provided (evidence only). Condition: Lung cancer. Review status: no classification provided. Collection method: in vitro. Allele origin: not applicable. Functional consequence: retained intron. Not counted in ClinVar's aggregate classification.

Dr. Peter K. Rogan Lab, Western University
No classification provided (evidence only). Condition: Lung cancer. Review status: no classification provided. Collection method: in vitro. Allele origin: not applicable. Functional consequence: retained intron. Not counted in ClinVar's aggregate classification.

Dr. Peter K. Rogan Lab, Western University
No classification provided (evidence only). Condition: Lung cancer. Review status: no classification provided. Collection method: in vitro. Allele origin: not applicable. Functional consequence: retained intron. Not counted in ClinVar's aggregate classification.

Dr. Peter K. Rogan Lab, Western University
No classification provided (evidence only). Condition: Lung cancer. Review status: no classification provided. Collection method: in vitro. Allele origin: not applicable. Functional consequence: retained intron. Not counted in ClinVar's aggregate classification.

Dr. Peter K. Rogan Lab, Western University
No classification provided (evidence only). Condition: Lung cancer. Review status: no classification provided. Collection method: in vitro. Allele origin: not applicable. Functional consequence: retained intron. Not counted in ClinVar's aggregate classification.

Dr. Peter K. Rogan Lab, Western University
No classification provided (evidence only). Condition: Lung cancer. Review status: no classification provided. Collection method: in vitro. Allele origin: not applicable. Functional consequence: retained intron. Not counted in ClinVar's aggregate classification.

Dr. Peter K. Rogan Lab, Western University
No classification provided (evidence only). Condition: Lung cancer. Review status: no classification provided. Collection method: in vitro. Allele origin: not applicable. Functional consequence: retained intron. Not counted in ClinVar's aggregate classification.

Dr. Peter K. Rogan Lab, Western University
No classification provided (evidence only). Condition: Melanoma. Review status: no classification provided. Collection method: in vitro. Allele origin: not applicable. Functional consequence: retained intron. Not counted in ClinVar's aggregate classification.

Dr. Peter K. Rogan Lab, Western University
No classification provided (evidence only). Condition: Melanoma. Review status: no classification provided. Collection method: in vitro. Allele origin: not applicable. Functional consequence: skipped exon, retained intron. Not counted in ClinVar's aggregate classification.

Dr. Peter K. Rogan Lab, Western University
No classification provided (evidence only). Condition: Melanoma. Review status: no classification provided. Collection method: in vitro. Allele origin: not applicable. Functional consequence: retained intron. Not counted in ClinVar's aggregate classification.

Dr. Peter K. Rogan Lab, Western University
No classification provided (evidence only). Condition: Melanoma. Review status: no classification provided. Collection method: in vitro. Allele origin: not applicable. Functional consequence: skipped exon, retained intron. Not counted in ClinVar's aggregate classification.

Dr. Peter K. Rogan Lab, Western University
No classification provided (evidence only). Condition: Melanoma. Review status: no classification provided. Collection method: in vitro. Allele origin: not applicable. Functional consequence: retained intron. Not counted in ClinVar's aggregate classification.

Dr. Peter K. Rogan Lab, Western University
No classification provided (evidence only). Condition: Familial cancer of breast. Review status: no classification provided. Collection method: in vitro. Allele origin: not applicable. Functional consequence: skipped exon, retained intron. Not counted in ClinVar's aggregate classification.

Dr. Peter K. Rogan Lab, Western University
No classification provided (evidence only). Condition: Acute myeloid leukemia. Review status: no classification provided. Collection method: in vitro. Allele origin: not applicable. Functional consequence: retained intron. Not counted in ClinVar's aggregate classification.

Dr. Peter K. Rogan Lab, Western University
No classification provided (evidence only). Condition: Acute myeloid leukemia. Review status: no classification provided. Collection method: in vitro. Allele origin: not applicable. Functional consequence: skipped exon, retained intron. Not counted in ClinVar's aggregate classification.

Dr. Peter K. Rogan Lab, Western University
No classification provided (evidence only). Condition: Acute myeloid leukemia. Review status: no classification provided. Collection method: in vitro. Allele origin: not applicable. Functional consequence: skipped exon, retained intron. Not counted in ClinVar's aggregate classification.

Dr. Peter K. Rogan Lab, Western University
No classification provided (evidence only). Condition: Colon adenocarcinoma. Review status: no classification provided. Collection method: in vitro. Allele origin: not applicable. Functional consequence: retained intron. Not counted in ClinVar's aggregate classification.

Dr. Peter K. Rogan Lab, Western University
No classification provided (evidence only). Condition: Colon adenocarcinoma. Review status: no classification provided. Collection method: in vitro. Allele origin: not applicable. Functional consequence: retained intron. Not counted in ClinVar's aggregate classification.

Dr. Peter K. Rogan Lab, Western University
No classification provided (evidence only). Condition: Thyroid cancer, nonmedullary, 1. Review status: no classification provided. Collection method: in vitro. Allele origin: not applicable. Functional consequence: retained intron. Not counted in ClinVar's aggregate classification.

Dr. Peter K. Rogan Lab, Western University
No classification provided (evidence only). Condition: Thyroid cancer, nonmedullary, 1. Review status: no classification provided. Collection method: in vitro. Allele origin: not applicable. Functional consequence: skipped exon, retained intron. Not counted in ClinVar's aggregate classification.

Dr. Peter K. Rogan Lab, Western University
No classification provided (evidence only). Condition: Thyroid cancer, nonmedullary, 1. Review status: no classification provided. Collection method: in vitro. Allele origin: not applicable. Functional consequence: retained intron. Not counted in ClinVar's aggregate classification.